The following is an entry in ClinVar:

NM_000021.4(PSEN1):c.871A>G (p.Thr291Ala)

Gene: PSEN1 (presenilin 1; plus strand). Cytogenetic location: 14q24.2.
Variant type: single nucleotide variant.
Coding change: c.871A>G on transcript NM_000021.4 (MANE Select); coding-DNA position 871, A replaced by G.
Protein change: p.Thr291Ala; replaces threonine 291 with alanine.
Molecular consequence: missense variant.
Genome position (GRCh38, 1-based): chr14:73,206,388, A>G. VCF-style: chr14-73206388-A-G. GRCh37 (hg19) VCF-style: chr14-73673096-A-G.
Other names: c.859A>G, p.Thr287Ala (NM_007318.3); short protein forms T287A, T291A.
Identifiers: ClinVar variation 2042091 (VCV002042091.4), dbSNP rs63750298, ClinGen allele CA390304682.

ClinVar aggregate classification (germline): Uncertain significance (1 of 4 stars; one submission).

Conditions:
Frontotemporal dementia (FTD1). Also called: FRONTOTEMPORAL DEMENTIA WITH PARKINSONISM; FRONTOTEMPORAL LOBE DEMENTIA; Frontotemporal Dementia with Parkinsonism-17 (FTDP-17); WILHELMSEN-LYNCH DISEASE; Dementia, frontotemporal, with or without parkinsonism; MULTIPLE SYSTEM TAUOPATHY WITH PRESENILE DEMENTIA. Identifiers: Orphanet 282, MedGen C0338451, MONDO:0017276, OMIM 600274, HP:0002145.
Pick disease. Also called: Pick Disease of the Brain; Pick's disease; LOBAR ATROPHY OF BRAIN; PICK DISEASE OF BRAIN; DEMENTIA WITH LOBAR ATROPHY AND NEURONAL CYTOPLASMIC INCLUSIONS. Identifiers: Orphanet 282, MedGen C0236642, MONDO:0008243, OMIM 172700.
Acne inversa, familial, 3 (ACNINV3). Identifiers: MedGen C3151038, MONDO:0013398, OMIM 613737.
Alzheimer disease 3 (AD3). Also called: ALZHEIMER DISEASE, FAMILIAL, 3. Identifiers: Orphanet 1020, MedGen C1843013, MONDO:0011913, OMIM 607822.

Allele frequency attached by ClinVar (database versions not stated): gnomAD exomes 0.00001; TOPMed 0.00002.

Submission:

Labcorp Genetics (formerly Invitae), Labcorp
Classification: Uncertain significance for Alzheimer disease 3; Pick disease; Acne inversa, familial, 3; Frontotemporal dementia. Last evaluated: 2022-08-31. Review status: criteria provided, single submitter. Criteria: Invitae Variant Classification Sherloc (09022015). Collection method: clinical testing. Allele origin: germline.
Comment: This sequence change replaces threonine, which is neutral and polar, with alanine, which is neutral and non-polar, at codon 291 of the PSEN1 protein (p.Thr291Ala). In summary, the available evidence is currently insufficient to determine the role of this variant in disease. Therefore, it has been classified as a Variant of Uncertain Significance. Algorithms developed to predict the effect of sequence changes on RNA splicing suggest that this variant may create or strengthen a splice site. Experimental studies have shown that this missense change affects PSEN1 function (PMID: 10366599). Algorithms developed to predict the effect of missense changes on protein structure and function are either unavailable or do not agree on the potential impact of this missense change (SIFT: "Tolerated"; PolyPhen-2: "Probably Damaging"; Align-GVGD: "Class C0"). This missense change has been observed in individual(s) with clinical features of PSEN1-related conditions (PMID: 27777022). This variant is not present in population databases (gnomAD no frequency).

Literature cited by the submitters: PubMed 10366599; PubMed 27777022.